The following is an entry in ClinVar:

NM_020975.6(RET):c.330T>C (p.Ser110=)

Gene: RET (ret proto-oncogene; plus strand). Cytogenetic location: 10q11.21.
Variant type: single nucleotide variant.
Coding change: c.330T>C on transcript NM_020975.6 (MANE Select); coding-DNA position 330, T replaced by C.
Protein change: p.Ser110=; no amino-acid change (serine 110 retained).
Molecular consequence: synonymous variant. On other transcripts: intron variant (4).
Genome position (GRCh38, 1-based): chr10:43,100,715, T>C. VCF-style: chr10-43100715-T-C. GRCh37 (hg19) VCF-style: chr10-43596163-T-C.
Other names: c.330T>C, p.Ser110= (NM_000323.2, NM_001406743.1, NM_001406744.1 and 34 more transcripts); c.74-8316T>C (NM_001406784.1); c.74-11384T>C (NM_001406794.1, NM_001406792.1, NM_001406793.1).
Identifiers: ClinVar variation 1539938 (VCV001539938.11), dbSNP rs1264565618, ClinGen allele CA469490344.
Genomic context (GRCh38, chr10:43,100,715, plus strand): 5'-GGACACCGGCCTCCTCTACCTTAACCGGAGCCTGGACCATAGCTCCTGGGAGAAGCTCAG[T>C]GTCCGCAGTAAGGGAGCCGCCCCAACACCCACCCCGTGCCCCACCCCACCCCTTCCTCAA-3'
Protein context (NP_066124.1, residues 100-120): SLDHSSWEKL[Ser110=]VRNRGFPLLT

ClinVar aggregate classification (germline): Likely benign. Review status: criteria provided, multiple submitters, no conflicts (2 of 4 stars). 3 submissions from 3 submitters: Likely benign (3). Last evaluated 2024-02-25.

Conditions:
Multiple endocrine neoplasia, type 2 (MEN2). Identifiers: Orphanet 653, MedGen C4048306, MONDO:0019003. Disease mechanism: gain of function.
Hereditary cancer-predisposing syndrome. Also called: Hereditary Cancer Syndrome; Tumor predisposition; Neoplastic Syndromes, Hereditary; Hereditary neoplastic syndrome. Identifiers: Orphanet 140162, MedGen C0027672, MeSH D009386, MONDO:0015356.

Submissions (3):

Ambry Genetics
Classification: Likely benign for Hereditary cancer-predisposing syndrome. Last evaluated: 2024-02-25. Review status: criteria provided, single submitter. Criteria: Ambry Variant Classification Scheme 2023. Collection method: clinical testing. Allele origin: germline.

All of Us Research Program, National Institutes of Health
Classification: Likely benign for Multiple endocrine neoplasia, type 2. Last evaluated: 2023-09-17. Review status: criteria provided, single submitter. Criteria: ACMG Guidelines, 2015. Collection method: clinical testing. Allele origin: germline. Inheritance: Autosomal dominant inheritance. Observed: 1 variant allele, 1 heterozygote.
Comment: This study involves interpretation of variants in research participants for the purpose of population health screening. Participant phenotype was not available at the time of variant classification. Additional details can be found in publication PMID: 35346344, PMCID: PMC8962531

Labcorp Genetics (formerly Invitae), Labcorp
Classification: Likely benign for Multiple endocrine neoplasia, type 2. Last evaluated: 2021-08-12. Review status: criteria provided, single submitter. Criteria: Invitae Variant Classification Sherloc (09022015). Collection method: clinical testing. Allele origin: germline.